The following is an entry in ClinVar:

ClinVar aggregate classification (germline): Uncertain significance (1 of 4 stars; one submission).

Conditions:
Kabuki syndrome. Also called: Kabuki make-up syndrome; NIIKAWA-KUROKI SYNDROME. Identifiers: Orphanet 2322, MedGen C0796004, MONDO:0016512.

Submission:

Labcorp Genetics (formerly Invitae), Labcorp
Classification: Uncertain significance for Kabuki syndrome. Last evaluated: 2022-02-24. Review status: criteria provided, single submitter. Criteria: Invitae Variant Classification Sherloc (09022015). Collection method: clinical testing. Allele origin: germline.
Comment: This variant is not present in population databases (gnomAD no frequency). In summary, the available evidence is currently insufficient to determine the role of this variant in disease. Therefore, it has been classified as a Variant of Uncertain Significance. Advanced modeling of protein sequence and biophysical properties (such as structural, functional, and spatial information, amino acid conservation, physicochemical variation, residue mobility, and thermodynamic stability) performed at Invitae indicates that this missense variant is not expected to disrupt KMT2D protein function. This variant has not been reported in the literature in individuals affected with KMT2D-related conditions. This sequence change replaces glutamic acid, which is acidic and polar, with aspartic acid, which is acidic and polar, at codon 4931 of the KMT2D protein (p.Glu4931Asp).

NM_003482.4(KMT2D):c.14793G>T (p.Glu4931Asp)

Gene: KMT2D (lysine methyltransferase 2D; minus strand). Cytogenetic location: 12q13.12.
Variant type: single nucleotide variant.
Coding change: c.14793G>T on transcript NM_003482.4 (MANE Select); coding-DNA position 14793, G replaced by T.
Protein change: p.Glu4931Asp; replaces glutamic acid 4931 with aspartic acid.
Molecular consequence: missense variant.
Genome position (GRCh38, 1-based): chr12:49,027,173, C>A on the plus strand (G>T on the coding strand, the complement: KMT2D is on the minus strand). VCF-style: chr12-49027173-C-A. GRCh37 (hg19) VCF-style: chr12-49420956-C-A.
Other names: short protein forms E4931D.
Identifiers: ClinVar variation 1934463 (VCV001934463.5), dbSNP rs1216795610, ClinGen allele CA384691713.